The following is an entry in ClinVar:

NM_000059.4(BRCA2):c.331_347delinsC (p.Asn111fs)

Gene: BRCA2 (BRCA2 DNA repair associated; plus strand). Cytogenetic location: 13q13.1.
Variant type: Indel.
Coding change: c.331_347delinsC on transcript NM_000059.4 (MANE Select); coding-DNA positions 331 to 347, AATAGTAGACATAAAAG replaced by C.
Protein change: p.Asn111fs; shifts the reading frame from asparagine 111.
Molecular consequence: frameshift variant. On other transcripts: 5 prime UTR variant (1), non-coding transcript variant (1).
Genome position (GRCh38, 1-based): chr13:32,325,090-32,325,106, AATAGTAGACATAAAAG replaced by C. VCF-style: chr13-32325090-AATAGTAGACATAAAAG-C. GRCh37 (hg19) VCF-style: chr13-32899227-AATAGTAGACATAAAAG-C.
Other names: c.331_347delinsC, p.Asn111fs (NM_001406719.1, NM_001406720.1, NM_001406721.1); c.-39_-23delinsC (NM_001406722.1); short protein forms N111fs.
Identifiers: ClinVar variation 3254325 (VCV003254325.1), dbSNP rs2548513962.

ClinVar aggregate classification (germline): Likely pathogenic (1 of 4 stars; one submission).

Conditions:
Breast-ovarian cancer, familial, susceptibility to, 2 (BROVCA2). Also called: BRCA2 Hereditary Breast and Ovarian Cancer. Identifiers: Orphanet 145, MedGen C2675520, MONDO:0012933, OMIM 612555. Disease mechanism: loss of function.

Submission:

Myriad Genetics, Inc.
Classification: Likely pathogenic for Breast-ovarian cancer, familial, susceptibility to, 2. Last evaluated: 2024-05-09. Review status: criteria provided, single submitter. Criteria: Myriad Autosomal Dominant, Autosomal Recessive and X-Linked Classification Criteria (2023). Collection method: clinical testing. Allele origin: unknown.
Comment: This variant is considered likely pathogenic. This variant creates a frameshift predicted to result in premature protein truncation.